The following is an entry in ClinVar:

ClinVar aggregate classification (germline): Uncertain significance (1 of 4 stars; one submission).

Conditions:
Hereditary cancer-predisposing syndrome. Also called: Neoplastic Syndromes, Hereditary; Tumor predisposition; Hereditary neoplastic syndrome; Hereditary Cancer Syndrome. Identifiers: Orphanet 140162, MedGen C0027672, MeSH D009386, MONDO:0015356.

Submission:

Ambry Genetics
Classification: Uncertain significance for Hereditary cancer-predisposing syndrome. Last evaluated: 2021-10-22. Review status: criteria provided, single submitter. Criteria: Ambry Variant Classification Scheme 2023. Collection method: clinical testing. Allele origin: germline.
Comment: The c.4590G>T (p.S1530S) alteration is located in exon 36 (coding exon 35) of the TSC2 gene. This alteration consists of a G to T substitution at nucleotide position 4590. This nucleotide substitution does not change the amino acid at codon 1530. However, this change occurs in the last nucleotide of Exon 36 (c.4570_4662) which makes it likely to have some effect on normal mRNA splicing. Based on insufficient or conflicting evidence, the clinical significance of this alteration remains unclear.

NM_000548.5(TSC2):c.4590G>T (p.Ser1530=)

Gene: TSC2 (TSC complex subunit 2; plus strand). Cytogenetic location: 16p13.3.
Variant type: single nucleotide variant.
Coding change: c.4590G>T on transcript NM_000548.5 (MANE Select); coding-DNA position 4590, G replaced by T.
Protein change: p.Ser1530=; no amino-acid change (serine 1530 retained).
Molecular consequence: synonymous variant. On other transcripts: non-coding transcript variant (5).
Genome position (GRCh38, 1-based): chr16:2,085,250, G>T. VCF-style: chr16-2085250-G-T. GRCh37 (hg19) VCF-style: chr16-2135251-G-T.
Other names: c.4389G>T, p.Ser1463= (NM_001077183.3); c.4521G>T, p.Ser1507= (NM_001114382.3); c.4281G>T, p.Ser1427= (NM_001318827.2); c.4245G>T, p.Ser1415= (NM_001318829.2); c.3858G>T, p.Ser1286= (NM_001318831.2); c.4422G>T, p.Ser1474= (NM_001318832.2); c.4392G>T, p.Ser1464= (NM_001363528.2); c.4458G>T, p.Ser1486= (NM_001370404.1); and 26 more.
Identifiers: ClinVar variation 3183562 (VCV003183562.1), dbSNP rs377377367, ClinGen allele CA492957971.